The following is an entry in ClinVar:

NM_152564.5(VPS13B):c.11459C>G (p.Ala3820Gly)

Gene: VPS13B (vacuolar protein sorting 13 homolog B; plus strand). Cytogenetic location: 8q22.2.
Variant type: single nucleotide variant.
Coding change: c.11459C>G on transcript NM_152564.5 (MANE Select); coding-DNA position 11459, C replaced by G.
Protein change: p.Ala3820Gly; replaces alanine 3820 with glycine.
Molecular consequence: missense variant.
Genome position (GRCh38, 1-based): chr8:99,870,851, C>G. VCF-style: chr8-99870851-C-G. GRCh37 (hg19) VCF-style: chr8-100883079-C-G.
Other names: c.11534C>G, p.Ala3845Gly (NM_017890.5); short protein forms A3820G, A3845G.
Identifiers: ClinVar variation 3347546 (VCV003347546.1).
Genomic context (GRCh38, chr8:99,870,851, plus strand): 5'-TACATGGAGCTGGACTTTCTCAGCTTCCCAAACAGCGCCATCAGCCAAGTGATCTACATG[C>G]TGACCAGGCTCCAAACAGCCATGTCAAATATGTCTGGTAAAATTATTGAGATACGTGCTC-3'
Protein context (NP_689777.3, residues 3810-3830): KQRHQPSDLH[Ala3820Gly]DQAPNSHVKY

ClinVar aggregate classification (germline): Uncertain significance (0 of 4 stars; one submission).

Conditions:
VPS13B-related disorder. Also called: VPS13B-related condition.

Submission:

PreventionGenetics, part of Exact Sciences
Classification: Uncertain significance for VPS13B-related condition. Last evaluated: 2024-06-25. Review status: no assertion criteria provided. Collection method: clinical testing. Allele origin: germline.
Comment: The VPS13B c.11459C>G variant is predicted to result in the amino acid substitution p.Ala3820Gly. To our knowledge, this variant has not been reported in the literature or in a large population database, indicating this variant is rare. At this time, the clinical significance of this variant is uncertain due to the absence of conclusive functional and genetic evidence.